The following is an entry in ClinVar:

ClinVar aggregate classification (germline): Uncertain significance (1 of 4 stars; one submission).

Conditions:
Hereditary cancer-predisposing syndrome. Also called: Hereditary Cancer Syndrome; Neoplastic Syndromes, Hereditary; Tumor predisposition; Hereditary neoplastic syndrome. Identifiers: Orphanet 140162, MedGen C0027672, MeSH D009386, MONDO:0015356.

Submission:

Ambry Genetics
Classification: Uncertain significance for Hereditary cancer-predisposing syndrome. Last evaluated: 2024-12-23. Review status: criteria provided, single submitter. Criteria: Ambry Variant Classification Scheme 2023. Collection method: clinical testing. Allele origin: germline.
Comment: The p.N397D variant (also known as c.1189A>G), located in coding exon 9 of the POLD1 gene, results from an A to G substitution at nucleotide position 1189. The asparagine at codon 397 is replaced by aspartic acid, an amino acid with highly similar properties. This amino acid position is highly conserved in available vertebrate species. In addition, this alteration is predicted to be tolerated by in silico analysis. Based on the available evidence, the clinical significance of this variant remains unclear.

NM_002691.4(POLD1):c.1189A>G (p.Asn397Asp)

Gene: POLD1 (DNA polymerase delta 1, catalytic subunit; plus strand). Cytogenetic location: 19q13.33.
Variant type: single nucleotide variant.
Coding change: c.1189A>G on transcript NM_002691.4 (MANE Select); coding-DNA position 1189, A replaced by G.
Protein change: p.Asn397Asp; replaces asparagine 397 with aspartic acid.
Molecular consequence: missense variant. On other transcripts: non-coding transcript variant (1).
Genome position (GRCh38, 1-based): chr19:50,403,544, A>G. VCF-style: chr19-50403544-A-G. GRCh37 (hg19) VCF-style: chr19-50906801-A-G.
Other names: c.1189A>G, p.Asn397Asp (NM_001256849.1, NM_001308632.1); short protein forms N397D.
Identifiers: ClinVar variation 1744217 (VCV001744217.3), dbSNP rs2513977177, ClinGen allele CA406978532.